The following is an entry in ClinVar:

ClinVar aggregate classification (germline): Uncertain significance (1 of 4 stars; one submission).

Submission:

Labcorp Genetics (formerly Invitae), Labcorp
Classification: Uncertain significance. Last evaluated: 2025-12-03. Review status: criteria provided, single submitter. Criteria: Invitae Variant Classification Sherloc (09022015). Collection method: clinical testing. Allele origin: germline.
Comment: This sequence change replaces leucine, which is neutral and non-polar, with arginine, which is basic and polar, at codon 3285 of the TRRAP protein (p.Leu3285Arg). This variant is not present in population databases (gnomAD no frequency). This variant has not been reported in the literature in individuals affected with TRRAP-related conditions. Invitae Evidence Modeling of protein sequence and biophysical properties (such as structural, functional, and spatial information, amino acid conservation, physicochemical variation, residue mobility, and thermodynamic stability) indicates that this missense variant is not expected to disrupt TRRAP protein function with a negative predictive value of 80%. In summary, the available evidence is currently insufficient to determine the role of this variant in disease. Therefore, it has been classified as a Variant of Uncertain Significance.

NM_001375524.1(TRRAP):c.9983T>G (p.Leu3328Arg)

Gene: TRRAP (transformation/transcription domain associated protein; plus strand). Cytogenetic location: 7q22.1.
Variant type: single nucleotide variant.
Coding change: c.9983T>G on transcript NM_001375524.1 (MANE Select); coding-DNA position 9983, T replaced by G.
Protein change: p.Leu3328Arg; replaces leucine 3328 with arginine.
Molecular consequence: missense variant.
Genome position (GRCh38, 1-based): chr7:98,993,673, T>G. VCF-style: chr7-98993673-T-G. GRCh37 (hg19) VCF-style: chr7-98591296-T-G.
Other names: c.9941T>G, p.Leu3314Arg (NM_001244580.2); c.9854T>G, p.Leu3285Arg (NM_003496.4); short protein forms L3285R, L3328R, L3314R.
Identifiers: ClinVar variation 4744678 (VCV004744678.1).